The following is an entry in ClinVar:

ClinVar aggregate classification (germline): Conflicting classifications of pathogenicity. Review status: criteria provided, conflicting classifications (1 of 4 stars). 3 submissions from 3 submitters: Uncertain significance (1); Likely benign (2). Last evaluated 2026-01-21.

Conditions:
SLX4-related disorder. Also called: SLX4-related condition.
Fanconi anemia (FA). Also called: Fanconi's anemia. Identifiers: Orphanet 84, MedGen C0015625, MeSH D005199, MONDO:0019391.

Allele frequency attached by ClinVar (database versions not stated): gnomAD 0.00004 and 0.00005; gnomAD exomes 0.00007 and 0.00035; TOPMed 0.00019; 1000 Genomes Project 0.00020; 1000 Genomes Project 30x 0.00031; ExAC 0.00033.
gnomAD v4.1: 111 of 1,613,346 alleles (0.0069%); highest among the groups gnomAD compares: Admixed American, 0.15%; 1 homozygote.

Submissions (3):

Labcorp Genetics (formerly Invitae), Labcorp
Classification: Likely benign for Fanconi anemia. Last evaluated: 2026-01-21. Review status: criteria provided, single submitter. Criteria: Invitae Variant Classification Sherloc (09022015). Collection method: clinical testing. Allele origin: germline.

PreventionGenetics, part of Exact Sciences
Classification: Likely benign for SLX4-related condition. Last evaluated: 2025-11-18. Review status: criteria provided, single submitter. Criteria: ACMG Guidelines, 2015. Collection method: clinical testing. Allele origin: germline.
Comment: This variant is classified as likely benign based on ACMG/AMP sequence variant interpretation guidelines (Richards et al. 2015 PMID: 25741868, with internal and published modifications).

Genetic Services Laboratory, University of Chicago
Classification: Uncertain significance. Last evaluated: 2021-03-29. Review status: criteria provided, single submitter. Criteria: ACMG Guidelines, 2015. Collection method: clinical testing. Allele origin: germline. Affected: no.
Comment: DNA sequence analysis of the SLX4 gene demonstrated a sequence change, c.3782C>T, in exon 12 that results in an amino acid change, p.Pro1261Leu. This sequence change has been described in gnomAD with a frequency of 0.24% (dbSNP rs374056556) in the Latino sub-population. The p.Pro1261Leu change affects a highly conserved amino acid residue located in a domain of the SLX4 protein that is not known to be functional. In-silico pathogenicity prediction tools (SIFT, PolyPhen2, Align GVGD, REVEL) provide contradictory results for the p.Pro1261Leu substitution. This sequence change does not appear to have been previously described in patients with SLX4-related disorders. Due to the lack of sufficient evidences, the clinical significance of the p.Pro1261Leu change remains unknown at this time.

NM_032444.4(SLX4):c.3782C>T (p.Pro1261Leu)

Gene: SLX4 (SLX4 structure-specific endonuclease subunit; minus strand). Cytogenetic location: 16p13.3.
Variant type: single nucleotide variant.
Coding change: c.3782C>T on transcript NM_032444.4 (MANE Select); coding-DNA position 3782, C replaced by T.
Protein change: p.Pro1261Leu; replaces proline 1261 with leucine.
Molecular consequence: missense variant.
Genome position (GRCh38, 1-based): chr16:3,589,856, G>A on the plus strand (C>T on the coding strand, the complement: SLX4 is on the minus strand). VCF-style: chr16-3589856-G-A. GRCh37 (hg19) VCF-style: chr16-3639857-G-A.
Other names: c.3782C>T (LRG_503t1); short protein forms P1261L.
Identifiers: ClinVar variation 456315 (VCV000456315.16), dbSNP rs374056556, ClinGen allele CA7865834.